The following is an entry in ClinVar:

NM_000742.4(CHRNA2):c.-422G>A

Gene: CHRNA2 (cholinergic receptor nicotinic alpha 2 subunit; minus strand). Cytogenetic location: 8p21.2.
Variant type: single nucleotide variant.
Coding change: c.-422G>A on transcript NM_000742.4 (MANE Select); 422 bases upstream of the start codon, G replaced by A.
Molecular consequence: 5 prime UTR variant.
Genome position (GRCh38, 1-based): chr8:27,479,109, C>T on the plus strand (G>A on the coding strand, the complement: CHRNA2 is on the minus strand). VCF-style: chr8-27479109-C-T. GRCh37 (hg19) VCF-style: chr8-27336626-C-T.
Other names: c.-422G>A (NM_001282455.2); c.-849G>A (NM_001347705.2); c.-894G>A (NM_001347706.2); c.-895G>A (NM_001347707.2); c.-883G>A (NM_001347708.2).
Identifiers: ClinVar variation 362706 (VCV000362706.5), dbSNP rs80025940, ClinGen allele CA10630794.

ClinVar aggregate classification (germline): Benign (1 of 4 stars; one submission).

Conditions:
Autosomal dominant nocturnal frontal lobe epilepsy 4. Also called: EPILEPSY, FAMILIAL, WITH NOCTURNAL WANDERING AND ICTAL FEAR; CHRNA2-Related Nocturnal Frontal Lobe Epilepsy, Autosomal Dominant. Identifiers: Orphanet 98784, MedGen C1835905, MONDO:0012474, OMIM 610353.

Allele frequency attached by ClinVar (database versions not stated): gnomAD 0.00813 and 0.00769; TOPMed 0.00838; 1000 Genomes Project 0.00679; 1000 Genomes Project 30x 0.00703.

Submission:

Illumina Laboratory Services, Illumina
Classification: Benign for Autosomal dominant nocturnal frontal lobe epilepsy 4. Last evaluated: 2018-01-13. Review status: criteria provided, single submitter. Criteria: ICSL Variant Classification Criteria 13 December 2019. Collection method: clinical testing. Allele origin: germline.
Comment: This variant was observed in the ICSL laboratory as part of a predisposition screen in an ostensibly healthy population. It had not been previously curated by ICSL or reported in the Human Gene Mutation Database (HGMD: prior to June 1st, 2018), and was therefore a candidate for classification through an automated scoring system. Utilizing variant allele frequency, disease prevalence and penetrance estimates, and inheritance mode, an automated score was calculated to assess if this variant is too frequent to cause the disease. Based on the score and internal cut-off values, a variant classified as benign is not then subjected to further curation. The score for this variant resulted in a classification of benign for this disease.